The following is an entry in ClinVar:

NM_001009944.3(PKD1):c.8083_8094dup (p.Leu2698_Gln2699insMetLeuIleLeu)

Gene: PKD1 (polycystin 1, transient receptor potential channel interacting; minus strand). Cytogenetic location: 16p13.3.
Variant type: Duplication.
Coding change: c.8083_8094dup on transcript NM_001009944.3 (MANE Select); coding-DNA positions 8083 to 8094, 12 bases duplicated (ATGCTCATCCTG).
Protein change: p.Leu2698_Gln2699insMetLeuIleLeu.
Molecular consequence: inframe insertion.
Genome position (GRCh38, 1-based): chr16:2,104,565-2,104,576, CAGGATGAGCAT duplicated on the plus strand (ATGCTCATCCTG on the coding strand, the reverse complement: PKD1 is on the minus strand); duplicating any 12 consecutive bases within chr16:2,104,565-2,104,578 gives the same sequence; the c. name uses the placement nearest the transcript's 3' end. VCF-style (leftmost placement, unchanged base first): chr16-2104564-G-GCAGGATGAGCAT. GRCh37 (hg19) VCF-style: chr16-2154565-G-GCAGGATGAGCAT.
Other names: c.8083_8094dup, p.Leu2698_Gln2699insMetLeuIleLeu (NM_000296.4).
Identifiers: ClinVar variation 4531551 (VCV004531551.1).

ClinVar aggregate classification (germline): Uncertain significance (1 of 4 stars; one submission).

Conditions:
Polycystic kidney disease, adult type (PKD1). Also called: Polycystic Kidney, Autosomal Dominant; POLYCYSTIC KIDNEY DISEASE, ADULT, TYPE I; Polycystic Kidney Disease 1, Autosomal Dominant; Polycystic kidney disease 1; Polycystic kidney disease 1, severe; POLYCYSTIC KIDNEY DISEASE 1 WITH OR WITHOUT POLYCYSTIC LIVER DISEASE. Identifiers: MedGen C3149841, MONDO:0008263, OMIM 173900.

Submission:

Victorian Clinical Genetics Services, Murdoch Childrens Research Institute
Classification: Uncertain significance for Polycystic kidney disease, adult type. Last evaluated: 2024-11-14. Review status: criteria provided, single submitter. Criteria: ACMG Guidelines, 2015. Collection method: clinical testing. Allele origin: germline. Affected: yes.
Comment: This variant is classified as VUS-3A. Evidence in support of pathogenic classification: In-frame insertion in a non-repetitive region that has low conservation; Variant is absent from gnomAD (v2, v3 and v4); Another in-frame duplication comparable to the one identified in this case has limited previous evidence for pathogenicity. Additional information: This variant is heterozygous; This gene is associated with autosomal dominant disease. Polycystic kidney disease 1 (MIM#173900) is predominantly caused by monoallelic variants, with rare reports of biallelic variants causing disease (OMIM); This variant has no previous evidence of pathogenicity; No published segregation evidence has been identified for this variant; No published functional evidence has been identified for this variant; Variant is not located in an established domain, motif, hotspot or informative constraint region; Loss of function is a known mechanism of disease in this gene and is associated with polycystic kidney disease 1 (MIM#173900); Inheritance information for this variant is not currently available in this individual.

Literature cited by the submitters: PubMed 21115670.